The following is an entry in ClinVar:

NM_001693.4(ATP6V1B2):c.621T>A (p.Cys207Ter)

Gene: ATP6V1B2 (ATPase H+ transporting V1 subunit B2; plus strand). Cytogenetic location: 8p21.3.
Variant type: single nucleotide variant.
Coding change: c.621T>A on transcript NM_001693.4 (MANE Select); coding-DNA position 621, T replaced by A.
Protein change: p.Cys207Ter; replaces cysteine 207 with a stop codon.
Molecular consequence: nonsense.
Genome position (GRCh38, 1-based): chr8:20,211,669, T>A. VCF-style: chr8-20211669-T-A. GRCh37 (hg19) VCF-style: chr8-20069180-T-A.
Other names: short protein forms C207*.
Identifiers: ClinVar variation 4082834 (VCV004082834.1).

ClinVar aggregate classification (germline): Uncertain significance (1 of 4 stars; one submission).

Submission:

GeneDx
Classification: Uncertain significance. Last evaluated: 2025-03-04. Review status: criteria provided, single submitter. Criteria: GeneDx Variant Classification Process June 2021. Collection method: clinical testing. Allele origin: germline. Affected: yes.
Comment: Not observed at significant frequency in large population cohorts (gnomAD); Nonsense variant predicted to result in protein truncation or nonsense mediated decay in a gene or region of a gene for which loss of function is not a well-established mechanism of disease; Has not been previously published as pathogenic or benign to our knowledge